The following is an entry in ClinVar:

ClinVar aggregate classification (germline): Uncertain significance (1 of 4 stars; one submission).

Allele frequency attached by ClinVar (database versions not stated): TOPMed below 0.00001; ExAC 0.00001; gnomAD 0.00001; gnomAD exomes 0.00001.

Submission:

Labcorp Genetics (formerly Invitae), Labcorp
Classification: Uncertain significance. Last evaluated: 2022-07-30. Review status: criteria provided, single submitter. Criteria: Invitae Variant Classification Sherloc (09022015). Collection method: clinical testing. Allele origin: germline.
Comment: This sequence change replaces arginine, which is basic and polar, with glutamine, which is neutral and polar, at codon 140 of the DHX38 protein (p.Arg140Gln). This variant is present in population databases (rs778702496, gnomAD 0.006%). This variant has not been reported in the literature in individuals affected with DHX38-related conditions. Algorithms developed to predict the effect of missense changes on protein structure and function are either unavailable or do not agree on the potential impact of this missense change (SIFT: "Deleterious"; PolyPhen-2: "Possibly Damaging"; Align-GVGD: "Class C0"). In summary, the available evidence is currently insufficient to determine the role of this variant in disease. Therefore, it has been classified as a Variant of Uncertain Significance.

NM_014003.4(DHX38):c.419G>A (p.Arg140Gln)

Gene: DHX38 (DEAH-box helicase 38; plus strand). Cytogenetic location: 16q22.2.
Variant type: single nucleotide variant.
Coding change: c.419G>A on transcript NM_014003.4 (MANE Select); coding-DNA position 419, G replaced by A.
Protein change: p.Arg140Gln; replaces arginine 140 with glutamine.
Molecular consequence: missense variant.
Genome position (GRCh38, 1-based): chr16:72,096,917, G>A. VCF-style: chr16-72096917-G-A. GRCh37 (hg19) VCF-style: chr16-72130816-G-A.
Other names: short protein forms R140Q.
Identifiers: ClinVar variation 1902412 (VCV001902412.2), dbSNP rs778702496, ClinGen allele CA8159963.